The following is an entry in ClinVar:

ClinVar aggregate classification (germline): Uncertain significance (1 of 4 stars; one submission).

Allele frequency attached by ClinVar (database versions not stated): ExAC 0.00001.
gnomAD v4.1: 1 of 1,593,072 alleles (0.000063%); no homozygotes.

Submission:

Ambry Genetics
Classification: Uncertain significance. Last evaluated: 2021-10-04. Review status: criteria provided, single submitter. Criteria: Ambry Variant Classification Scheme 2023. Collection method: clinical testing. Allele origin: germline.
Comment: The p.Q95R variant (also known as c.284A>G), located in coding exon 4 of the NPAT gene, results from an A to G substitution at nucleotide position 284. The glutamine at codon 95 is replaced by arginine, an amino acid with highly similar properties. This amino acid position is conserved. In addition, the in silico prediction for this alteration is inconclusive. Since supporting evidence is limited at this time, the clinical significance of this alteration remains unclear.

NM_002519.3(NPAT):c.284A>G (p.Gln95Arg)

Gene: NPAT (nuclear protein, coactivator of histone transcription; minus strand). Cytogenetic location: 11q22.3.
Variant type: single nucleotide variant.
Coding change: c.284A>G on transcript NM_002519.3 (MANE Select); coding-DNA position 284, A replaced by G.
Protein change: p.Gln95Arg; replaces glutamine 95 with arginine.
Molecular consequence: missense variant.
Genome position (GRCh38, 1-based): chr11:108,192,124, T>C on the plus strand (A>G on the coding strand, the complement: NPAT is on the minus strand). VCF-style: chr11-108192124-T-C. GRCh37 (hg19) VCF-style: chr11-108062851-T-C.
Other names: c.284A>G, p.Gln95Arg (NM_001321307.1); short protein forms Q95R.
Identifiers: ClinVar variation 1796805 (VCV001796805.2), dbSNP rs776399635, ClinGen allele CA6264365.